The following is an entry in ClinVar:

ClinVar aggregate classification (germline): Uncertain significance. Review status: criteria provided, multiple submitters, no conflicts (2 of 4 stars). 2 submissions from 2 submitters: Uncertain significance (2). Last evaluated 2025-05-28.

Allele frequency attached by ClinVar (database versions not stated): TOPMed 0.00002; gnomAD 0.00003; gnomAD exomes 0.00003; ExAC 0.00005; ESP Exome Variant Server 0.00008.
gnomAD v4.1: 42 of 1,613,534 alleles (0.0026%); highest among the groups gnomAD compares: Admixed American, 0.0033%; no homozygotes.

Submissions (2):

Ambry Genetics
Classification: Uncertain significance. Last evaluated: 2025-05-28. Review status: criteria provided, single submitter. Criteria: Ambry Variant Classification Scheme 2023. Collection method: clinical testing. Allele origin: germline.

Labcorp Genetics (formerly Invitae), Labcorp
Classification: Uncertain significance. Last evaluated: 2023-03-03. Review status: criteria provided, single submitter. Criteria: Invitae Variant Classification Sherloc (09022015). Collection method: clinical testing. Allele origin: germline.
Comment: This sequence change replaces glycine, which is neutral and non-polar, with arginine, which is basic and polar, at codon 490 of the FBLN1 protein (p.Gly490Arg). This variant is present in population databases (rs145539977, gnomAD 0.008%). This variant has not been reported in the literature in individuals affected with FBLN1-related conditions. An algorithm developed to predict the effect of missense changes on protein structure and function (PolyPhen-2) suggests that this variant is likely to be disruptive. In summary, the available evidence is currently insufficient to determine the role of this variant in disease. Therefore, it has been classified as a Variant of Uncertain Significance.

NM_006486.3(FBLN1):c.1468G>A (p.Gly490Arg)

Gene: FBLN1 (fibulin 1; plus strand). Cytogenetic location: 22q13.31.
Variant type: single nucleotide variant.
Coding change: c.1468G>A on transcript NM_006486.3 (MANE Select); coding-DNA position 1468, G replaced by A.
Protein change: p.Gly490Arg; replaces glycine 490 with arginine.
Molecular consequence: missense variant.
Genome position (GRCh38, 1-based): chr22:45,548,639, G>A. VCF-style: chr22-45548639-G-A. GRCh37 (hg19) VCF-style: chr22-45944519-G-A.
Other names: c.1468G>A (NM_006486.2); c.1468G>A, p.Gly490Arg (NM_001996.4, NM_006485.4, NM_006487.3); short protein forms G490R.
Identifiers: ClinVar variation 2980571 (VCV002980571.4), dbSNP rs145539977, ClinGen allele CA10286981.